The following is an entry in ClinVar:

ClinVar aggregate classification (germline): Uncertain significance (1 of 4 stars; one submission).

Allele frequency attached by ClinVar (database versions not stated): gnomAD 0.00001 and 0.00003; ExAC 0.00002; gnomAD exomes 0.00002; TOPMed 0.00002.
gnomAD v4.1: 34 of 1,613,086 alleles (0.0021%); highest among the groups gnomAD compares: South Asian, 0.014%; 2 homozygotes.

Submission:

Labcorp Genetics (formerly Invitae), Labcorp
Classification: Uncertain significance. Last evaluated: 2022-07-05. Review status: criteria provided, single submitter. Criteria: Invitae Variant Classification Sherloc (09022015). Collection method: clinical testing. Allele origin: germline.
Comment: This sequence change replaces alanine, which is neutral and non-polar, with valine, which is neutral and non-polar, at codon 86 of the IGF1 protein (p.Ala86Val). This variant is present in population databases (rs751304020, gnomAD 0.01%). This variant has not been reported in the literature in individuals affected with IGF1-related conditions. ClinVar contains an entry for this variant (Variation ID: 1402693). Algorithms developed to predict the effect of missense changes on protein structure and function output the following: SIFT: "Tolerated"; PolyPhen-2: "Benign"; Align-GVGD: "Class C0". The valine amino acid residue is found in multiple mammalian species, which suggests that this missense change does not adversely affect protein function. Algorithms developed to predict the effect of sequence changes on RNA splicing suggest that this variant may create or strengthen a splice site. In summary, the available evidence is currently insufficient to determine the role of this variant in disease. Therefore, it has been classified as a Variant of Uncertain Significance.

NM_000618.5(IGF1):c.257C>T (p.Ala86Val)

Genes: IGF1 (insulin like growth factor 1; minus strand), LINC02456 (long intergenic non-protein coding RNA 2456; plus strand). Cytogenetic location: 12q23.2.
Variant type: single nucleotide variant.
Coding change: c.257C>T on transcript NM_000618.5 (MANE Select); coding-DNA position 257, C replaced by T.
Protein change: p.Ala86Val; replaces alanine 86 with valine.
Molecular consequence: missense variant.
Genome position (GRCh38, 1-based): chr12:102,419,654, G>A on the plus strand (C>T on the coding strand, the complement: IGF1 is on the minus strand). VCF-style: chr12-102419654-G-A. GRCh37 (hg19) VCF-style: chr12-102813432-G-A.
Other names: c.257C>T, p.Ala86Val (NM_001111283.3, NM_001111285.3); c.209C>T, p.Ala70Val (NM_001111284.2); short protein forms A70V, A86V.
Identifiers: ClinVar variation 1402693 (VCV001402693.4), dbSNP rs751304020, ClinGen allele CA6748580.